The following is an entry in ClinVar:

ClinVar aggregate classification (germline): Uncertain significance (1 of 4 stars; one submission).

Allele frequency attached by ClinVar (database versions not stated): gnomAD exomes below 0.00001; TOPMed below 0.00001.
gnomAD v4.1: 5 of 1,614,058 alleles (0.00031%); highest among the groups gnomAD compares: Non-Finnish European, 0.00042%; no homozygotes.

Submission:

GeneDx
Classification: Uncertain significance. Last evaluated: 2023-12-21. Review status: criteria provided, single submitter. Criteria: GeneDx Variant Classification Process June 2021. Collection method: clinical testing. Allele origin: germline. Affected: yes.
Comment: Has not been previously published as pathogenic or benign to our knowledge; Not observed in large population cohorts (gnomAD); In silico analysis, which includes protein predictors and evolutionary conservation, supports a deleterious effect

NM_001851.6(COL9A1):c.2546G>A (p.Gly849Asp)

Gene: COL9A1 (collagen type IX alpha 1 chain; minus strand). Cytogenetic location: 6q13.
Variant type: single nucleotide variant.
Coding change: c.2546G>A on transcript NM_001851.6 (MANE Select); coding-DNA position 2546, G replaced by A.
Protein change: p.Gly849Asp; replaces glycine 849 with aspartic acid.
Molecular consequence: missense variant. On other transcripts: non-coding transcript variant (1).
Genome position (GRCh38, 1-based): chr6:70,225,967, C>T on the plus strand (G>A on the coding strand, the complement: COL9A1 is on the minus strand). VCF-style: chr6-70225967-C-T. GRCh37 (hg19) VCF-style: chr6-70935670-C-T.
Other names: c.1847G>A, p.Gly616Asp (NM_001377289.1); c.1670G>A, p.Gly557Asp (NM_001377290.1); c.1817G>A, p.Gly606Asp (NM_078485.4); short protein forms G557D, G606D, G616D, G849D.
Identifiers: ClinVar variation 1318975 (VCV001318975.3), dbSNP rs1769199680, ClinGen allele CA364670250.